The following is an entry in ClinVar:

NM_004525.3(LRP2):c.2159G>A (p.Arg720His)

Gene: LRP2 (LDL receptor related protein 2; minus strand). Cytogenetic location: 2q31.1.
Variant type: single nucleotide variant.
Coding change: c.2159G>A on transcript NM_004525.3 (MANE Select); coding-DNA position 2159, G replaced by A.
Protein change: p.Arg720His; replaces arginine 720 with histidine.
Molecular consequence: missense variant.
Genome position (GRCh38, 1-based): chr2:169,271,065, C>T on the plus strand (G>A on the coding strand, the complement: LRP2 is on the minus strand). VCF-style: chr2-169271065-C-T. GRCh37 (hg19) VCF-style: chr2-170127575-C-T.
Other names: short protein forms R720H.
Identifiers: ClinVar variation 1375919 (VCV001375919.6), dbSNP rs1416667283, ClinGen allele CA349162982.

ClinVar aggregate classification (germline): Uncertain significance (1 of 4 stars; one submission).

Allele frequency attached by ClinVar (database versions not stated): gnomAD exomes below 0.00001.
gnomAD v4.1: 6 of 1,612,940 alleles (0.00037%); highest among the groups gnomAD compares: African/African-American, 0.004%; no homozygotes.

Submission:

Labcorp Genetics (formerly Invitae), Labcorp
Classification: Uncertain significance. Last evaluated: 2022-10-25. Review status: criteria provided, single submitter. Criteria: Invitae Variant Classification Sherloc (09022015). Collection method: clinical testing. Allele origin: germline.
Comment: In summary, the available evidence is currently insufficient to determine the role of this variant in disease. Therefore, it has been classified as a Variant of Uncertain Significance. Advanced modeling of protein sequence and biophysical properties (such as structural, functional, and spatial information, amino acid conservation, physicochemical variation, residue mobility, and thermodynamic stability) has been performed at Invitae for this missense variant, however the output from this modeling did not meet the statistical confidence thresholds required to predict the impact of this variant on LRP2 protein function. ClinVar contains an entry for this variant (Variation ID: 1375919). This variant has not been reported in the literature in individuals affected with LRP2-related conditions. This variant is not present in population databases (gnomAD no frequency). This sequence change replaces arginine, which is basic and polar, with histidine, which is basic and polar, at codon 720 of the LRP2 protein (p.Arg720His).